The following is an entry in ClinVar:

NM_001367549.1(ATP13A3):c.3436A>G (p.Met1146Val)

Gene: ATP13A3 (ATPase 13A3; minus strand). Cytogenetic location: 3q29.
Variant type: single nucleotide variant.
Coding change: c.3436A>G on transcript NM_001367549.1 (MANE Select); coding-DNA position 3436, A replaced by G.
Protein change: p.Met1146Val; replaces methionine 1146 with valine.
Molecular consequence: missense variant. On other transcripts: non-coding transcript variant (2).
Genome position (GRCh38, 1-based): chr3:194,413,806, T>C on the plus strand (A>G on the coding strand, the complement: ATP13A3 is on the minus strand). VCF-style: chr3-194413806-T-C. GRCh37 (hg19) VCF-style: chr3-194134535-T-C.
Other names: c.3355A>G, p.Met1119Val (NM_001374836.1); c.3436A>G, p.Met1146Val (NM_024524.4); short protein forms M1119V, M1146V.
Identifiers: ClinVar variation 1967621 (VCV001967621.5), dbSNP rs369136611, ClinGen allele CA2761411.
Genomic context (GRCh38, chr3:194,413,806, plus strand): 5'-TGGAAGTGCTTACCTCCACTGTGATAGACACAAAGGCATTGACAAGAACAATGATGAGCA[T>C]AGTTACACGCCACTGATATGGTACACACACTATCTGTAATGCAAAAACATTTTAAAGTTA-3'
Protein context (NP_001354478.1, residues 1136-1156): VCVPYQWRVT[Met1146Val]LIIVLVNAFV

ClinVar aggregate classification (germline): Uncertain significance (1 of 4 stars; one submission).

Allele frequency attached by ClinVar (database versions not stated): ExAC 0.00007; ESP Exome Variant Server 0.00008; gnomAD 0.00009; gnomAD exomes 0.00012; TOPMed 0.00014.

Submission:

Labcorp Genetics (formerly Invitae), Labcorp
Classification: Uncertain significance. Last evaluated: 2022-02-01. Review status: criteria provided, single submitter. Criteria: Invitae Variant Classification Sherloc (09022015). Collection method: clinical testing. Allele origin: germline.
Comment: This variant has not been reported in the literature in individuals affected with ATP13A3-related conditions. In summary, the available evidence is currently insufficient to determine the role of this variant in disease. Therefore, it has been classified as a Variant of Uncertain Significance. Algorithms developed to predict the effect of missense changes on protein structure and function (SIFT, PolyPhen-2, Align-GVGD) all suggest that this variant is likely to be tolerated. This variant is present in population databases (rs369136611, gnomAD 0.02%). This sequence change replaces methionine, which is neutral and non-polar, with valine, which is neutral and non-polar, at codon 1146 of the ATP13A3 protein (p.Met1146Val).